The following is an entry in ClinVar:

ClinVar aggregate classification (germline): Uncertain significance (1 of 4 stars; one submission).

Conditions:
Developmental delay and seizures with or without movement abnormalities. Identifiers: MedGen C4693376, MONDO:0044326, OMIM 617836.

Submissions (2):

3billion
Classification: Uncertain significance for Developmental delay and seizures with or without movement abnormalities. Last evaluated: 2022-01-03. Review status: criteria provided, single submitter. Criteria: ACMG Guidelines, 2015. Collection method: clinical testing. Allele origin: germline. Affected: yes. Observed: 1 heterozygote.
Comment: The variant is not observed in the gnomAD v2.1.1 dataset (PM2_M). A missense variant is a common mechanism associated with Developmental delay and seizures with or without movement abnormalities (PP2_P). Therefore, this variant is classified as uncertain significance according to the recommendation of ACMG/AMP guideline.

Dr. Peter K. Rogan Lab, Western University
No classification provided (evidence only). Condition: Uterine corpus endometrial carcinoma. Review status: no classification provided. Collection method: in vitro. Allele origin: not applicable. Functional consequence: retained intron. Not counted in ClinVar's aggregate classification.

NM_205861.3(DHDDS):c.63G>T (p.Lys21Asn)

Gene: DHDDS (dehydrodolichyl diphosphate synthase subunit; plus strand). Cytogenetic location: 1p36.11.
Variant type: single nucleotide variant.
Coding change: c.63G>T on transcript NM_205861.3 (MANE Select); coding-DNA position 63, G replaced by T.
Protein change: p.Lys21Asn; replaces lysine 21 with asparagine.
Molecular consequence: missense variant. On other transcripts: 5 prime UTR variant (1).
Genome position (GRCh38, 1-based): chr1:26,433,008, G>T. VCF-style: chr1-26433008-G-T. GRCh37 (hg19) VCF-style: chr1-26759499-G-T.
Other names: NC_000001.10:g.26759499G>T; c.63G>T, p.Lys21Asn (NM_001243564.2, NM_001243565.2, NM_024887.4); c.-240G>T (NM_001319959.2); short protein forms K21N.
Identifiers: ClinVar variation 1333480 (VCV001333480.2), dbSNP rs2124329750, ClinGen allele CA339137130.